The following is an entry in ClinVar:

NM_002693.3(POLG):c.2598+28T>A

Gene: POLG (DNA polymerase gamma, catalytic subunit; minus strand). Cytogenetic location: 15q26.1.
Variant type: single nucleotide variant.
Coding change: c.2598+28T>A on transcript NM_002693.3 (MANE Select); 28 bases into the intron after coding-DNA position 2598, T replaced by A.
Molecular consequence: intron variant.
Genome position (GRCh38, 1-based): chr15:89,321,708, A>T on the plus strand (T>A on the coding strand, the complement: POLG is on the minus strand). VCF-style: chr15-89321708-A-T. GRCh37 (hg19) VCF-style: chr15-89864939-A-T.
Other names: c.2598+28T>A (NM_001126131.2).
Identifiers: ClinVar variation 619369 (VCV000619369.1), dbSNP rs1020120703, ClinGen allele CA10602320.

ClinVar aggregate classification (germline): Likely benign (1 of 4 stars; one submission).

Conditions:
Progressive sclerosing poliodystrophy (MTDPS4A). Also called: Alpers-Huttenlocher Syndrome (AHS); Alpers Syndrome; ALPERS PROGRESSIVE INFANTILE POLIODYSTROPHY; Mitochondrial DNA depletion syndrome 4A (Alpers type); ALPERS DIFFUSE DEGENERATION OF CEREBRAL GRAY MATTER WITH HEPATIC CIRRHOSIS; Alpers-Huttenlocher Syndrome. Identifiers: Orphanet 726, MedGen C0205710, MONDO:0008758, OMIM 203700.

Allele frequency attached by ClinVar (database versions not stated): gnomAD exomes 0.00001; gnomAD 0.00003; TOPMed 0.00005.
gnomAD v4.1: 51 of 1,496,666 alleles (0.0034%); highest among the groups gnomAD compares: Non-Finnish European, 0.0042%; no homozygotes.

Submission:

Wong Mito Lab, Molecular and Human Genetics, Baylor College of Medicine
Classification: Likely benign for Progressive sclerosing poliodystrophy. Last evaluated: 2018-10-01. Review status: criteria provided, single submitter. Criteria: ACMG Guidelines, 2015. Collection method: clinical testing. Allele origin: germline.
Comment: The NM_002693.2:c.2598+28T>A (NP_002684.1:p.=) [GRCH38: NC_000015.10:g.89321708A>T] variant in POLG gene is interpretated to be a Likely Benign based on ACMG guidelines (PMID: 25741868). This variant meets the following evidence codes reported in the ACMG-guideline. BP4:Computational evidence/predictors indicate no impact on the POLG structure, function, or protein-protein interaction. BP6:Reputable source(s) without shared data suggest the variant is benign. Based on the evidence criteria codes applied, the variant is suggested to be Likely Benign.